The following is an entry in ClinVar:

NM_004260.4(RECQL4):c.2623C>T (p.Pro875Ser)

Gene: RECQL4 (RecQ like helicase 4; minus strand). Cytogenetic location: 8q24.3.
Variant type: single nucleotide variant.
Coding change: c.2623C>T on transcript NM_004260.4 (MANE Select); coding-DNA position 2623, C replaced by T.
Protein change: p.Pro875Ser; replaces proline 875 with serine.
Molecular consequence: missense variant. On other transcripts: non-coding transcript variant (3).
Genome position (GRCh38, 1-based): chr8:144,512,979, G>A on the plus strand (C>T on the coding strand, the complement: RECQL4 is on the minus strand). VCF-style: chr8-144512979-G-A. GRCh37 (hg19) VCF-style: chr8-145738362-G-A.
Other names: c.1552C>T, p.Pro518Ser (NM_001413023.1, NM_001413024.1, NM_001413028.1 and 5 more transcripts); c.2494C>T, p.Pro832Ser (NM_001413025.1); c.1486C>T, p.Pro496Ser (NM_001413027.1, NM_001413030.1, NM_001413032.1 and 1 more transcripts); c.2272C>T, p.Pro758Ser (NM_001413029.1); c.1354C>T, p.Pro452Ser (NM_001413031.1, NM_001413038.1); c.2491C>T, p.Pro831Ser (NM_001413033.1); c.2329C>T, p.Pro777Ser (NM_001413017.1); c.2425C>T, p.Pro809Ser (NM_001413018.1); and 6 more; short protein forms P474S, P508S, P777S, P843S, P386S, P496S, P809S, P865S.
Identifiers: ClinVar variation 2731641 (VCV002731641.3), dbSNP rs564692376, ClinGen allele CA187681608.

ClinVar aggregate classification (germline): Uncertain significance (1 of 4 stars; one submission).

Conditions:
Baller-Gerold syndrome (BGS). Also called: CRANIOSYNOSTOSIS WITH RADIAL DEFECTS. Identifiers: Orphanet 1225, MedGen C0265308, MONDO:0009039, OMIM 218600.

Allele frequency attached by ClinVar (database versions not stated): gnomAD 0.00001; gnomAD exomes 0.00001.

Submission:

Labcorp Genetics (formerly Invitae), Labcorp
Classification: Uncertain significance for Baller-Gerold syndrome. Last evaluated: 2023-04-04. Review status: criteria provided, single submitter. Criteria: Invitae Variant Classification Sherloc (09022015). Collection method: clinical testing. Allele origin: germline.
Comment: Experimental studies and prediction algorithms are not available or were not evaluated, and the functional significance of this variant is currently unknown. In summary, the available evidence is currently insufficient to determine the role of this variant in disease. Therefore, it has been classified as a Variant of Uncertain Significance. This variant has not been reported in the literature in individuals affected with RECQL4-related conditions. The frequency data for this variant in the population databases is considered unreliable, as metrics indicate poor data quality at this position in the gnomAD database. This sequence change replaces proline, which is neutral and non-polar, with serine, which is neutral and polar, at codon 875 of the RECQL4 protein (p.Pro875Ser).